The following is an entry in ClinVar:

NM_012254.3(SLC27A5):c.1034G>A (p.Gly345Glu)

Gene: SLC27A5 (solute carrier family 27 member 5; minus strand). Cytogenetic location: 19q13.43.
Variant type: single nucleotide variant.
Coding change: c.1034G>A on transcript NM_012254.3 (MANE Select); coding-DNA position 1034, G replaced by A.
Protein change: p.Gly345Glu; replaces glycine 345 with glutamic acid.
Molecular consequence: missense variant.
Genome position (GRCh38, 1-based): chr19:58,509,870, C>T on the plus strand (G>A on the coding strand, the complement: SLC27A5 is on the minus strand). VCF-style: chr19-58509870-C-T. GRCh37 (hg19) VCF-style: chr19-59021237-C-T.
Other names: c.782G>A, p.Gly261Glu (NM_001321196.2); short protein forms G345E, G261E.
Identifiers: ClinVar variation 2755362 (VCV002755362.3), dbSNP rs2514246235, ClinGen allele CA407952984.

ClinVar aggregate classification (germline): Uncertain significance (1 of 4 stars; one submission).

Submission:

Labcorp Genetics (formerly Invitae), Labcorp
Classification: Uncertain significance. Last evaluated: 2023-08-27. Review status: criteria provided, single submitter. Criteria: Invitae Variant Classification Sherloc (09022015). Collection method: clinical testing. Allele origin: germline.
Comment: In summary, the available evidence is currently insufficient to determine the role of this variant in disease. Therefore, it has been classified as a Variant of Uncertain Significance. An algorithm developed to predict the effect of missense changes on protein structure and function (PolyPhen-2) suggests that this variant is likely to be disruptive. This variant has not been reported in the literature in individuals affected with SLC27A5-related conditions. This variant is not present in population databases (gnomAD no frequency). This sequence change replaces glycine, which is neutral and non-polar, with glutamic acid, which is acidic and polar, at codon 345 of the SLC27A5 protein (p.Gly345Glu).